The following is an entry in ClinVar:

NM_005898.5(CAPRIN1):c.1271C>T (p.Pro424Leu)

Gene: CAPRIN1 (cell cycle associated protein 1; plus strand). Cytogenetic location: 11p13.
Variant type: single nucleotide variant.
Coding change: c.1271C>T on transcript NM_005898.5 (MANE Select); coding-DNA position 1271, C replaced by T.
Protein change: p.Pro424Leu; replaces proline 424 with leucine.
Molecular consequence: missense variant.
Genome position (GRCh38, 1-based): chr11:34,089,434, C>T. VCF-style: chr11-34089434-C-T. GRCh37 (hg19) VCF-style: chr11-34110981-C-T.
Other names: c.1271C>T, p.Pro424Leu (NM_203364.3); c.1271C>T (NM_005898.4); short protein forms P424L.
Identifiers: ClinVar variation 2190934 (VCV002190934.2), dbSNP rs750949911, ClinGen allele CA5941813.

ClinVar aggregate classification (germline): Uncertain significance. Review status: criteria provided, multiple submitters, no conflicts (2 of 4 stars). 2 submissions from 2 submitters: Uncertain significance (2). Last evaluated 2022-11-03.

Allele frequency attached by ClinVar (database versions not stated): gnomAD 0.00001; ExAC 0.00002; TOPMed 0.00002.
gnomAD v4.1: 102 of 1,607,952 alleles (0.0063%); highest among the groups gnomAD compares: Non-Finnish European, 0.0083%; no homozygotes.

Submissions (2):

GeneDx
Classification: Uncertain significance. Last evaluated: 2022-11-03. Review status: criteria provided, single submitter. Criteria: GeneDx Variant Classification Process June 2021. Collection method: clinical testing. Allele origin: germline. Affected: yes.
Comment: In silico analysis supports that this missense variant does not alter protein structure/function; Has not been previously published as pathogenic or benign to our knowledge

Labcorp Genetics (formerly Invitae), Labcorp
Classification: Uncertain significance. Last evaluated: 2022-04-24. Review status: criteria provided, single submitter. Criteria: Invitae Variant Classification Sherloc (09022015). Collection method: clinical testing. Allele origin: germline.
Comment: This sequence change replaces proline, which is neutral and non-polar, with leucine, which is neutral and non-polar, at codon 424 of the CAPRIN1 protein (p.Pro424Leu). The frequency data for this variant in the population databases is considered unreliable, as metrics indicate poor data quality at this position in the gnomAD database. This variant has not been reported in the literature in individuals affected with CAPRIN1-related conditions. Algorithms developed to predict the effect of missense changes on protein structure and function are either unavailable or do not agree on the potential impact of this missense change (SIFT: "Tolerated"; PolyPhen-2: "Possibly Damaging"; Align-GVGD: "Class C0"). In summary, the available evidence is currently insufficient to determine the role of this variant in disease. Therefore, it has been classified as a Variant of Uncertain Significance.